The following is an entry in ClinVar:

NM_000138.5(FBN1):c.3142A>G (p.Ile1048Val)

Gene: FBN1 (fibrillin 1; minus strand). Cytogenetic location: 15q21.1.
Variant type: single nucleotide variant.
Coding change: c.3142A>G on transcript NM_000138.5 (MANE Select); coding-DNA position 3142, A replaced by G.
Protein change: p.Ile1048Val; replaces isoleucine 1048 with valine.
Molecular consequence: missense variant.
Genome position (GRCh38, 1-based): chr15:48,488,434, T>C on the plus strand (A>G on the coding strand, the complement: FBN1 is on the minus strand). VCF-style: chr15-48488434-T-C. GRCh37 (hg19) VCF-style: chr15-48780631-T-C.
Other names: short protein forms I1048V.
Identifiers: ClinVar variation 569815 (VCV000569815.17), dbSNP rs2229324, ClinGen allele CA269532457.
Genomic context (GRCh38, chr15:48,488,434, plus strand): 5'-AGTTCCTTTCTTCAGAATCAAGAGCAAAGCCGCTGTCACACCTGCACTTAAAGCTGCCAA[T>C]GGTGTTTCTGCACTTGCCGTGGGTGCAGAGGCTGGGTATCATCTTGCACTCATTGATATC-3'
Protein context (NP_000129.3, residues 1038-1058): LCTHGKCRNT[Ile1048Val]GSFKCRCDSG

ClinVar aggregate classification (germline): Conflicting classifications of pathogenicity. Review status: criteria provided, conflicting classifications (1 of 4 stars). 5 submissions from 5 submitters: Uncertain significance (2); Likely benign (2). 1 of the submissions does not count toward it. Last evaluated 2025-07-30.

Conditions:
Familial thoracic aortic aneurysm and aortic dissection (TAAD). Also called: Thoracic aortic aneurysms and dissections. Identifiers: Orphanet 91387, MedGen C4707243, MONDO:0019625.
Marfan syndrome (MFS). Also called: FBN1-Related Marfan Syndrome; Marfan syndrome type 1; Marfan's syndrome; Marfan syndrome, classic; MARFAN SYNDROME, TYPE I. Identifiers: Orphanet 284963, Orphanet 558, MedGen C0024796, MONDO:0007947, OMIM 154700.

Allele frequency attached by ClinVar (database versions not stated): gnomAD exomes 0.00001 and 0.00002; gnomAD 0.00001; TOPMed 0.00001.
gnomAD v4.1: 16 of 1,614,226 alleles (0.00099%); highest among the groups gnomAD compares: East Asian, 0.025%; no homozygotes.

Submissions (5):

Labcorp Genetics (formerly Invitae), Labcorp
Classification: Likely benign for Marfan syndrome; Familial thoracic aortic aneurysm and aortic dissection. Last evaluated: 2025-07-30. Review status: criteria provided, single submitter. Criteria: Invitae Variant Classification Sherloc (09022015). Collection method: clinical testing. Allele origin: germline.

Color Diagnostics, LLC DBA Color Health
Classification: Likely benign for Familial thoracic aortic aneurysm and aortic dissection. Last evaluated: 2025-06-02. Review status: criteria provided, single submitter. Criteria: ACMG Guidelines, 2015. Collection method: clinical testing. Allele origin: germline.

All of Us Research Program, National Institutes of Health
Classification: Uncertain significance for Marfan syndrome. Last evaluated: 2023-10-30. Review status: criteria provided, single submitter. Criteria: ACMG Guidelines, 2015. Collection method: clinical testing. Allele origin: germline. Inheritance: Autosomal dominant inheritance. Observed: 1 variant allele, 1 heterozygote.
Comment: This missense variant replaces isoleucine with valine at codon 1048 of the FBN1 protein. Computational prediction suggests that this variant may not impact protein structure and function (internally defined REVEL score threshold <= 0.5, PMID: 27666373). To our knowledge, functional studies have not been reported for this variant. This variant has not been reported in individuals affected with cardiovascular disorders in the literature. This variant has been identified in 4/251488 chromosomes in the general population by the Genome Aggregation Database (gnomAD). The available evidence is insufficient to determine the role of this variant in disease conclusively. Therefore, this variant is classified as a Variant of Uncertain Significance.

This study involves interpretation of variants in research participants for the purpose of population health screening. Participant phenotype was not available at the time of variant classification. Additional details can be found in publication PMID: 35346344, PMCID: PMC8962531

Revvity Omics, Revvity
Classification: Uncertain significance. Last evaluated: 2021-06-09. Review status: criteria provided, single submitter. Criteria: ACMG Guidelines, 2015. Collection method: clinical testing. Allele origin: germline.

Department of Laboratory Medicine and Genetics, Samsung Medical Center
Classification: Uncertain significance for Marfan syndrome. Last evaluated: 2025-01-02. Review status: no assertion criteria provided. Collection method: clinical testing. Allele origin: germline. Not counted in ClinVar's aggregate classification.
Comment: The NM_000138.5:c.3142A>G is considered to be not rare in the general population database (gnomAD v2.1.1). This variant is predicted to be benign by in-silico analysis (REVEL). A different missense variant at the same residue is determined to be pathogenic (c.3143T>C, p.Ile1048Thr). This variant was found in a patient with Marfan syndrome meeting revised Ghent criteria, but observed with co-occurring pathogenic variants (PMID: 33200202; 34281902; 34818515). In summary, the available evidence is currently insufficient to evaluate the pathogenicity of this variant, resulting its classification as a variant of uncertain significance (PM5, BS1, BP2, BP4).

Literature cited by the submitters: PubMed 33200202 (cited by Department of Laboratory Medicine and Genetics, Samsung Medical Center); PubMed 34281902 (cited by Department of Laboratory Medicine and Genetics, Samsung Medical Center); PubMed 34818515 (cited by Department of Laboratory Medicine and Genetics, Samsung Medical Center).